The following is an entry in ClinVar:

ClinVar aggregate classification (germline): Uncertain significance (1 of 4 stars; one submission).

Conditions:
Spastic paraplegia. Identifiers: MedGen C0037772, HP:0001258.

Submission:

Labcorp Genetics (formerly Invitae), Labcorp
Classification: Uncertain significance for Spastic paraplegia. Last evaluated: 2022-07-31. Review status: criteria provided, single submitter. Criteria: Invitae Variant Classification Sherloc (09022015). Collection method: clinical testing. Allele origin: germline.
Comment: This sequence change replaces histidine, which is basic and polar, with arginine, which is basic and polar, at codon 1012 of the ZFYVE26 protein (p.His1012Arg). This variant is not present in population databases (gnomAD no frequency). This variant has not been reported in the literature in individuals affected with ZFYVE26-related conditions. Algorithms developed to predict the effect of missense changes on protein structure and function output the following: SIFT: "Tolerated"; PolyPhen-2: "Benign"; Align-GVGD: "Class C0". The arginine amino acid residue is found in multiple mammalian species, which suggests that this missense change does not adversely affect protein function. In summary, the available evidence is currently insufficient to determine the role of this variant in disease. Therefore, it has been classified as a Variant of Uncertain Significance.

NM_015346.4(ZFYVE26):c.3035A>G (p.His1012Arg)

Gene: ZFYVE26 (zinc finger FYVE-type containing 26; minus strand). Cytogenetic location: 14q24.1.
Variant type: single nucleotide variant.
Coding change: c.3035A>G on transcript NM_015346.4 (MANE Select); coding-DNA position 3035, A replaced by G.
Protein change: p.His1012Arg; replaces histidine 1012 with arginine.
Molecular consequence: missense variant.
Genome position (GRCh38, 1-based): chr14:67,786,218, T>C on the plus strand (A>G on the coding strand, the complement: ZFYVE26 is on the minus strand). VCF-style: chr14-67786218-T-C. GRCh37 (hg19) VCF-style: chr14-68252935-T-C.
Other names: short protein forms H1012R.
Identifiers: ClinVar variation 1912732 (VCV001912732.2), dbSNP rs2039652931, ClinGen allele CA390173128.
Genomic context (GRCh38, chr14:67,786,218, plus strand): 5'-TTACTGATTTGCTGAAGAACAACTGGAAAACCTCGAATGCCATCAGCATTTAGGAGTACG[T>C]GGTCTATCCGTCGACCTGGAAATAGATGAAGGAAGAGGGAATGCAAAAAAAAAAAATTGA-3'
Protein context (NP_056161.2, residues 1002-1022): SLERRGRRID[His1012Arg]VLLNADGIRG